The following is an entry in ClinVar:

NM_004859.4(CLTC):c.3536A>C (p.Lys1179Thr)

Gene: CLTC (clathrin heavy chain; plus strand). Cytogenetic location: 17q23.1.
Variant type: single nucleotide variant.
Coding change: c.3536A>C on transcript NM_004859.4 (MANE Select); coding-DNA position 3536, A replaced by C.
Protein change: p.Lys1179Thr; replaces lysine 1179 with threonine.
Molecular consequence: missense variant.
Genome position (GRCh38, 1-based): chr17:59,682,364, A>C. VCF-style: chr17-59682364-A-C. GRCh37 (hg19) VCF-style: chr17-57759725-A-C.
Other names: c.3548A>C, p.Lys1183Thr (NM_001288653.2); short protein forms K1179T, K1183T.
Identifiers: ClinVar variation 2506739 (VCV002506739.4), dbSNP rs2509152778, ClinGen allele CA400418031.

ClinVar aggregate classification (germline): Uncertain significance. Review status: criteria provided, multiple submitters, no conflicts (2 of 4 stars). 2 submissions from 2 submitters: Uncertain significance (2). Last evaluated 2023-12-02.

Allele frequency attached by ClinVar (database versions not stated): gnomAD exomes below 0.00001.
gnomAD v4.1: 2 of 1,614,176 alleles (0.00012%); highest among the groups gnomAD compares: Non-Finnish European, 0.000085%; no homozygotes.

Submissions (2):

Labcorp Genetics (formerly Invitae), Labcorp
Classification: Uncertain significance. Last evaluated: 2023-12-02. Review status: criteria provided, single submitter. Criteria: Invitae Variant Classification Sherloc (09022015). Collection method: clinical testing. Allele origin: germline.
Comment: This sequence change replaces lysine, which is basic and polar, with threonine, which is neutral and polar, at codon 1183 of the CLTC protein (p.Lys1183Thr). This variant is not present in population databases (gnomAD no frequency). This variant has not been reported in the literature in individuals affected with CLTC-related conditions. ClinVar contains an entry for this variant (Variation ID: 2506739). Advanced modeling of protein sequence and biophysical properties (such as structural, functional, and spatial information, amino acid conservation, physicochemical variation, residue mobility, and thermodynamic stability) performed at Invitae indicates that this missense variant is not expected to disrupt CLTC protein function with a negative predictive value of 80%. In summary, the available evidence is currently insufficient to determine the role of this variant in disease. Therefore, it has been classified as a Variant of Uncertain Significance.

GeneDx
Classification: Uncertain significance. Last evaluated: 2022-12-23. Review status: criteria provided, single submitter. Criteria: GeneDx Variant Classification Process June 2021. Collection method: clinical testing. Allele origin: germline. Affected: yes.
Comment: Not observed at significant frequency in large population cohorts (gnomAD); In silico analysis supports that this missense variant has a deleterious effect on protein structure/function; Has not been previously published as pathogenic or benign to our knowledge